The following is an entry in ClinVar:

ClinVar aggregate classification (germline): Uncertain significance (1 of 4 stars; one submission).

Submission:

Labcorp Genetics (formerly Invitae), Labcorp
Classification: Uncertain significance. Last evaluated: 2022-03-20. Review status: criteria provided, single submitter. Criteria: Invitae Variant Classification Sherloc (09022015). Collection method: clinical testing. Allele origin: germline.
Comment: In summary, the available evidence is currently insufficient to determine the role of this variant in disease. Therefore, it has been classified as a Variant of Uncertain Significance. Algorithms developed to predict the effect of missense changes on protein structure and function are either unavailable or do not agree on the potential impact of this missense change (SIFT: "Not Available"; PolyPhen-2: "Possibly Damaging"; Align-GVGD: "Not Available"). This sequence change replaces isoleucine, which is neutral and non-polar, with threonine, which is neutral and polar, at codon 63 of the USH1G protein (p.Ile63Thr). This variant is not present in population databases (gnomAD no frequency). This variant has not been reported in the literature in individuals affected with USH1G-related conditions.

NM_173477.5(USH1G):c.188T>C (p.Ile63Thr)

Gene: USH1G (USH1 protein network component sans; minus strand). Cytogenetic location: 17q25.1.
Variant type: single nucleotide variant.
Coding change: c.188T>C on transcript NM_173477.5 (MANE Select); coding-DNA position 188, T replaced by C.
Protein change: p.Ile63Thr; replaces isoleucine 63 with threonine.
Molecular consequence: missense variant. On other transcripts: intron variant (1).
Genome position (GRCh38, 1-based): chr17:74,920,648, A>G on the plus strand (T>C on the coding strand, the complement: USH1G is on the minus strand). VCF-style: chr17-74920648-A-G. GRCh37 (hg19) VCF-style: chr17-72916743-A-G.
Other names: c.-92-30T>C (NM_001282489.3); short protein forms I63T.
Identifiers: ClinVar variation 1394066 (VCV001394066.6), dbSNP rs2144755621, ClinGen allele CA400966847.
Genomic context (GRCh38, chr17:74,920,648, plus strand): 5'-AAGGACAGGCAGTGCAAGTGGCCATTGGAAGCTGCCAGATGCAGGGGTGTGTTGCCCCAG[A>G]TGTCACACTTGTCCGGGTCACCCCTGCAGGGAAAGCATTCAGGAGGGACGAGTGACGAGT-3'
Protein context (NP_775748.2, residues 53-73): SRGGDPDKCD[Ile63Thr]WGNTPLHLAA